The following is an entry in ClinVar:

ClinVar aggregate classification (germline): Uncertain significance. Review status: criteria provided, multiple submitters, no conflicts (2 of 4 stars). 3 submissions from 3 submitters: Uncertain significance (3). Last evaluated 2026-02-12.

Conditions:
Dilated cardiomyopathy 1G (CMD1G). Identifiers: Orphanet 154, MedGen C1858763, MONDO:0011400, OMIM 604145.
Hypertrophic cardiomyopathy 9. Also called: Familial hypertrophic cardiomyopathy 9. Identifiers: MedGen C1861065, MONDO:0013412, OMIM 613765.
Tibial muscular dystrophy (TMD). Also called: UDD MYOPATHY; Udd Distal Myopathy – Tibial Muscular Dystrophy; Tibial muscular dystrophy, tardive. Identifiers: Orphanet 609, MedGen C1838244, MONDO:0010870, OMIM 600334.
Early-onset myopathy with fatal cardiomyopathy (CMYO5). Also called: CONGENITAL MYOPATHY 5 WITH CARDIOMYOPATHY; Salih Myopathy. Identifiers: Orphanet 289377, MedGen C2673677, MONDO:0012714, OMIM 611705. Disease mechanism: loss of function.
Autosomal recessive limb-girdle muscular dystrophy type 2J (LGMDR10). Also called: MUSCULAR DYSTROPHY, LIMB-GIRDLE, AUTOSOMAL RECESSIVE 10; Limb-girdle muscular dystrophy, type 2J. Identifiers: Orphanet 140922, MedGen C1837342, MONDO:0012127, OMIM 608807.
Myopathy, myofibrillar, 9, with early respiratory failure (MFM9). Also called: Myopathy, distal, with early respiratory failure, autosomal dominant; Hereditary myopathy with early respiratory failure; EDSTROM MYOPATHY; MYOPATHY, PROXIMAL, WITH EARLY RESPIRATORY MUSCLE INVOLVEMENT. Identifiers: Orphanet 178464, Orphanet 34521, MedGen C1863599, MONDO:0011362, OMIM 603689.

Allele frequency attached by ClinVar (database versions not stated): gnomAD exomes 0.00001; gnomAD 0.00002; TOPMed 0.00002.
gnomAD v4.1: 10 of 1,458,978 alleles (0.00069%); highest among the groups gnomAD compares: Non-Finnish European, 0.0009%; no homozygotes.

Submissions (3):

GeneDx
Classification: Uncertain significance. Last evaluated: 2026-02-12. Review status: criteria provided, single submitter. Criteria: GeneDx Variant Classification Process June 2021. Collection method: clinical testing. Allele origin: germline.
Comment: Not observed at significant frequency in large population cohorts (gnomAD); Missense variant in a gene in which most reported pathogenic variants are truncating/loss of function; Has not been previously published as pathogenic or benign to our knowledge

Fulgent Genetics
Classification: Uncertain significance for Tibial muscular dystrophy; Myopathy, myofibrillar, 9, with early respiratory failure; Dilated cardiomyopathy 1G; Autosomal recessive limb-girdle muscular dystrophy type 2J; Early-onset myopathy with fatal cardiomyopathy; Hypertrophic cardiomyopathy 9. Last evaluated: 2021-10-29. Review status: criteria provided, single submitter. Criteria: ACMG Guidelines, 2015. Collection method: clinical testing. Allele origin: unknown.

ARUP Laboratories, Molecular Genetics and Genomics, ARUP Laboratories
Classification: Uncertain significance. Last evaluated: 2017-03-02. Review status: criteria provided, single submitter. Criteria: ARUP Molecular Germline Variant Investigation Process. Collection method: clinical testing. Allele origin: germline.

NM_001267550.2(TTN):c.31181T>C (p.Ile10394Thr)

Gene: TTN (titin; minus strand). Cytogenetic location: 2q31.2.
Variant type: single nucleotide variant.
Coding change: c.31181T>C on transcript NM_001267550.2 (MANE Select); coding-DNA position 31181, T replaced by C.
Protein change: p.Ile10394Thr; replaces isoleucine 10394 with threonine.
Molecular consequence: missense variant. On other transcripts: intron variant (3).
Genome position (GRCh38, 1-based): chr2:178,695,891, A>G on the plus strand (T>C on the coding strand, the complement: TTN is on the minus strand). VCF-style: chr2-178695891-A-G. GRCh37 (hg19) VCF-style: chr2-179560618-A-G.
Other names: c.13657+42191T>C (NM_133432.3); c.30230T>C, p.Ile10077Thr (NM_001256850.1); c.27449T>C, p.Ile9150Thr (NM_133378.4); c.13282+42191T>C (NM_003319.4); c.13858+42191T>C (NM_133437.4); c.31181T>C (NM_001267550.1); short protein forms I10394T, I10077T, I9150T.
Identifiers: ClinVar variation 440371 (VCV000440371.10), dbSNP rs1219872673, ClinGen allele CA349565018.